The following is an entry in ClinVar:

ClinVar aggregate classification (germline): Uncertain significance (1 of 4 stars; one submission).

Conditions:
Long QT syndrome (LQTS). Identifiers: MedGen C0023976, MeSH D008133, MONDO:0002442. Disease mechanism: loss of function. Inheritance: Various modes of inheritance.

Allele frequency attached by ClinVar (database versions not stated): gnomAD exomes below 0.00001.
gnomAD v4.1: 5 of 1,604,458 alleles (0.00031%); highest among the groups gnomAD compares: Middle Eastern, 0.017%; no homozygotes.

Submission:

Labcorp Genetics (formerly Invitae), Labcorp
Classification: Uncertain significance for Long QT syndrome. Last evaluated: 2023-08-09. Review status: criteria provided, single submitter. Criteria: Invitae Variant Classification Sherloc (09022015). Collection method: clinical testing. Allele origin: germline.
Comment: In summary, the available evidence is currently insufficient to determine the role of this variant in disease. Therefore, it has been classified as a Variant of Uncertain Significance. Variants that disrupt the consensus splice site are a relatively common cause of aberrant splicing (PMID: 17576681, 9536098). Experimental studies and prediction algorithms are not available or were not evaluated, and the effect of this variant on mRNA splicing is currently unknown. Experimental studies and prediction algorithms are not available or were not evaluated, and the functional significance of this variant is currently unknown. This variant has not been reported in the literature in individuals affected with CACNA1C-related conditions. This sequence change falls in intron 23 of the CACNA1C gene. It does not directly change the encoded amino acid sequence of the CACNA1C protein. It affects a nucleotide within the consensus splice site.

Literature cited by the submitters: PubMed 17576681; PubMed 9536098.

NM_000719.7(CACNA1C):c.3048+3G>A

Gene: CACNA1C (calcium voltage-gated channel subunit alpha1 C; plus strand). Cytogenetic location: 12p13.33.
Variant type: single nucleotide variant.
Coding change: c.3048+3G>A on transcript NM_000719.7 (MANE Select); 3 bases into the intron after coding-DNA position 3048, G replaced by A.
Molecular consequence: intron variant.
Genome position (GRCh38, 1-based): chr12:2,605,171, G>A. VCF-style: chr12-2605171-G-A. GRCh37 (hg19) VCF-style: chr12-2714337-G-A.
Other names: c.3048+3G>A (NM_001167624.3, NM_001167623.2, NM_001167625.2 and 15 more transcripts); c.3108+3G>A (NM_199460.4, NM_001129827.2, NM_001129832.2); c.3039+3G>A (NM_001129844.2).
Identifiers: ClinVar variation 948171 (VCV000948171.8), dbSNP rs779548719, ClinGen allele CA231602316.